The following is an entry in ClinVar:

ClinVar aggregate classification (germline): Uncertain significance (1 of 4 stars; one submission).

gnomAD v4.1: 2 of 1,550,586 alleles (0.00013%); highest among the groups gnomAD compares: Non-Finnish European, 0.00017%; no homozygotes.

Submission:

Labcorp Genetics (formerly Invitae), Labcorp
Classification: Uncertain significance. Last evaluated: 2024-06-25. Review status: criteria provided, single submitter. Criteria: Invitae Variant Classification Sherloc (09022015). Collection method: clinical testing. Allele origin: germline.
Comment: This sequence change replaces threonine, which is neutral and polar, with serine, which is neutral and polar, at codon 11 of the FBLN5 protein (p.Thr11Ser). This variant is not present in population databases (gnomAD no frequency). This variant has not been reported in the literature in individuals affected with FBLN5-related conditions. Algorithms developed to predict the effect of missense changes on protein structure and function output the following: SIFT: "Not Available"; PolyPhen-2: "Benign"; Align-GVGD: "Not Available". The serine amino acid residue is found in multiple mammalian species, which suggests that this missense change does not adversely affect protein function. In summary, the available evidence is currently insufficient to determine the role of this variant in disease. Therefore, it has been classified as a Variant of Uncertain Significance.

NM_006329.4(FBLN5):c.32C>G (p.Thr11Ser)

Gene: FBLN5 (fibulin 5; minus strand). Cytogenetic location: 14q32.12.
Variant type: single nucleotide variant.
Coding change: c.32C>G on transcript NM_006329.4 (MANE Select); coding-DNA position 32, C replaced by G.
Protein change: p.Thr11Ser; replaces threonine 11 with serine.
Molecular consequence: missense variant. On other transcripts: 5 prime UTR variant (2).
Genome position (GRCh38, 1-based): chr14:91,942,947, G>C on the plus strand (C>G on the coding strand, the complement: FBLN5 is on the minus strand). VCF-style: chr14-91942947-G-C. GRCh37 (hg19) VCF-style: chr14-92409291-G-C.
Other names: c.32C>G, p.Thr11Ser (NM_001384158.1, NM_001384160.1); c.83C>G, p.Thr28Ser (NM_001384159.1); c.-238C>G (NM_001384162.1, NM_001384161.1); short protein forms T11S, T28S.
Identifiers: ClinVar variation 3626672 (VCV003626672.2).